The following is an entry in ClinVar:

ClinVar aggregate classification (germline): Uncertain significance (1 of 4 stars; one submission).

Allele frequency attached by ClinVar (database versions not stated): gnomAD exomes below 0.00001.
gnomAD v4.1: 1 of 1,598,310 alleles (0.000063%); highest among the groups gnomAD compares: Non-Finnish European, 0.000085%; no homozygotes.

Submission:

Labcorp Genetics (formerly Invitae), Labcorp
Classification: Uncertain significance. Last evaluated: 2022-10-14. Review status: criteria provided, single submitter. Criteria: Invitae Variant Classification Sherloc (09022015). Collection method: clinical testing. Allele origin: germline.
Comment: This sequence change replaces histidine, which is basic and polar, with tyrosine, which is neutral and polar, at codon 1155 of the MYO7A protein (p.His1155Tyr). This variant is not present in population databases (gnomAD no frequency). This variant has not been reported in the literature in individuals affected with MYO7A-related conditions. Advanced modeling of protein sequence and biophysical properties (such as structural, functional, and spatial information, amino acid conservation, physicochemical variation, residue mobility, and thermodynamic stability) performed at Invitae indicates that this missense variant is expected to disrupt MYO7A protein function. In summary, the available evidence is currently insufficient to determine the role of this variant in disease. Therefore, it has been classified as a Variant of Uncertain Significance.

NM_000260.4(MYO7A):c.3463C>T (p.His1155Tyr)

Gene: MYO7A (myosin VIIA; plus strand). Cytogenetic location: 11q13.5.
Variant type: single nucleotide variant.
Coding change: c.3463C>T on transcript NM_000260.4 (MANE Select); coding-DNA position 3463, C replaced by T.
Protein change: p.His1155Tyr; replaces histidine 1155 with tyrosine.
Molecular consequence: missense variant.
Genome position (GRCh38, 1-based): chr11:77,184,675, C>T. VCF-style: chr11-77184675-C-T. GRCh37 (hg19) VCF-style: chr11-76895720-C-T.
Other names: c.3463C>T, p.His1155Tyr (NM_001127180.2); c.3430C>T, p.His1144Tyr (NM_001369365.1); short protein forms H1144Y, H1155Y.
Identifiers: ClinVar variation 2006707 (VCV002006707.4), dbSNP rs2497274742, ClinGen allele CA381946158.